The following is an entry in ClinVar:

ClinVar aggregate classification (germline): Likely benign. Review status: criteria provided, multiple submitters, no conflicts (2 of 4 stars). 2 submissions from 2 submitters: Likely benign (2). Last evaluated 2025-08-01.

Conditions:
Familial cancer of breast. Also called: BREAST CANCER, FAMILIAL; Hereditary breast cancer; hereditary breast carcinoma. Identifiers: Orphanet 227535, MedGen C0346153, MONDO:0016419, OMIM 114480. Disease mechanism: loss of function.

Submissions (2):

Labcorp Genetics (formerly Invitae), Labcorp
Classification: Likely benign for Familial cancer of breast. Last evaluated: 2025-08-01. Review status: criteria provided, single submitter. Criteria: Invitae Variant Classification Sherloc (09022015). Collection method: clinical testing. Allele origin: germline.

Myriad Genetics, Inc.
Classification: Likely benign for Familial cancer of breast. Last evaluated: 2025-01-16. Review status: criteria provided, single submitter. Criteria: Myriad Autosomal Dominant, Autosomal Recessive and X-Linked Classification Criteria (2023). Collection method: clinical testing. Allele origin: unknown.
Comment: This variant is considered likely benign. This variant is intronic and is not expected to impact mRNA splicing.

NM_024675.4(PALB2):c.2514+8C>G

Gene: PALB2 (partner and localizer of BRCA2; minus strand). Cytogenetic location: 16p12.2.
Variant type: single nucleotide variant.
Coding change: c.2514+8C>G on transcript NM_024675.4 (MANE Select); 8 bases into the intron after coding-DNA position 2514, C replaced by G.
Molecular consequence: intron variant.
Genome position (GRCh38, 1-based): chr16:23,629,632, G>C on the plus strand (C>G on the coding strand, the complement: PALB2 is on the minus strand). VCF-style: chr16-23629632-G-C. GRCh37 (hg19) VCF-style: chr16-23640953-G-C.
Identifiers: ClinVar variation 1567005 (VCV001567005.10), dbSNP rs1060504706, ClinGen allele CA2573152204.